The following is an entry in ClinVar:

ClinVar aggregate classification (germline): Uncertain significance (1 of 4 stars; one submission).

gnomAD v4.1: 16 of 1,614,010 alleles (0.00099%); highest among the groups gnomAD compares: Non-Finnish European, 0.0014%; no homozygotes.

Submission:

Women's Health and Genetics/Laboratory Corporation of America, LabCorp
Classification: Uncertain significance. Last evaluated: 2025-11-19. Review status: criteria provided, single submitter. Criteria: LabCorp Variant Classification Summary - May 2015. Collection method: clinical testing. Allele origin: germline.
Comment: Variant summary: NEU1 c.687C>G (p.Phe229Leu) results in a non-conservative amino acid change in the encoded protein sequence. Algorithms developed to predict the effect of missense changes on protein structure and function are either unavailable or do not agree on the potential impact of this missense change. The variant allele was found at a frequency of 1.2e-05 in 251324 control chromosomes. The available data on variant occurrences in the general population are insufficient to allow any conclusion about variant significance. To our knowledge, no occurrence of c.687C>G in individuals affected with NEU1-related conditions and no experimental evidence demonstrating its impact on protein function have been reported. No submitters have cited clinical-significance assessments for this variant to ClinVar. Based on the evidence outlined above, the variant was classified as uncertain significance.

NM_000434.4(NEU1):c.687C>G (p.Phe229Leu)

Gene: NEU1 (neuraminidase 1; minus strand). Cytogenetic location: 6p21.33.
Variant type: single nucleotide variant.
Coding change: c.687C>G on transcript NM_000434.4 (MANE Select); coding-DNA position 687, C replaced by G.
Protein change: p.Phe229Leu; replaces phenylalanine 229 with leucine.
Molecular consequence: missense variant.
Genome position (GRCh38, 1-based): chr6:31,860,550, G>C on the plus strand (C>G on the coding strand, the complement: NEU1 is on the minus strand). VCF-style: chr6-31860550-G-C. GRCh37 (hg19) VCF-style: chr6-31828327-G-C.
Other names: short protein forms F229L.
Identifiers: ClinVar variation 4537323 (VCV004537323.1).